The following is an entry in ClinVar:

NM_005573.4(LMNB1):c.271C>A (p.Arg91Ser)

Gene: LMNB1 (lamin B1; plus strand). Cytogenetic location: 5q23.2.
Variant type: single nucleotide variant.
Coding change: c.271C>A on transcript NM_005573.4 (MANE Select); coding-DNA position 271, C replaced by A.
Protein change: p.Arg91Ser; replaces arginine 91 with serine.
Molecular consequence: missense variant. On other transcripts: non-coding transcript variant (2), intron variant (1).
Genome position (GRCh38, 1-based): chr5:126,777,779, C>A. VCF-style: chr5-126777779-C-A. GRCh37 (hg19) VCF-style: chr5-126113471-C-A.
Other names: c.-272+535C>A (NM_001198557.2); short protein forms R91S.
Identifiers: ClinVar variation 4055985 (VCV004055985.1).

ClinVar aggregate classification (germline): Uncertain significance (1 of 4 stars; one submission).

Submission:

GeneDx
Classification: Uncertain significance. Last evaluated: 2025-01-06. Review status: criteria provided, single submitter. Criteria: GeneDx Variant Classification Process June 2021. Collection method: clinical testing. Allele origin: germline. Affected: yes.
Comment: Not observed at significant frequency in large population cohorts (gnomAD); In silico analysis supports that this missense variant has a deleterious effect on protein structure/function; Has not been previously published as pathogenic or benign to our knowledge